The following is an entry in ClinVar:

ClinVar aggregate classification (germline): Uncertain significance (1 of 4 stars; one submission).

Allele frequency attached by ClinVar (database versions not stated): gnomAD exomes below 0.00001; ESP Exome Variant Server 0.00008; TOPMed 0.00003; ExAC 0.00001; gnomAD 0.00003.
gnomAD v4.1: 6 of 1,613,410 alleles (0.00037%); highest among the groups gnomAD compares: African/African-American, 0.0053%; no homozygotes.

Submission:

Ambry Genetics
Classification: Uncertain significance. Last evaluated: 2025-11-12. Review status: criteria provided, single submitter. Criteria: Ambry Variant Classification Scheme 2023. Collection method: clinical testing. Allele origin: germline.
Comment: The c.109C>G (p.L37V) alteration is located in exon 2 (coding exon 2) of the NAA16 gene. This alteration results from a C to G substitution at nucleotide position 109, causing the leucine (L) at amino acid position 37 to be replaced by a valine (V). Based on data from gnomAD, the G allele has an overall frequency of 0.01% (3/31382) total alleles studied. The highest observed frequency was 0.023% (2/8704) of African alleles. Based on insufficient or conflicting evidence, the clinical significance of this alteration remains unclear.

NM_024561.5(NAA16):c.109C>G (p.Leu37Val)

Gene: NAA16 (N-alpha-acetyltransferase 16, NatA auxiliary subunit; plus strand). Cytogenetic location: 13q14.11.
Variant type: single nucleotide variant.
Coding change: c.109C>G on transcript NM_024561.5 (MANE Select); coding-DNA position 109, C replaced by G.
Protein change: p.Leu37Val; replaces leucine 37 with valine.
Molecular consequence: missense variant.
Genome position (GRCh38, 1-based): chr13:41,316,900, C>G. VCF-style: chr13-41316900-C-G. GRCh37 (hg19) VCF-style: chr13-41891036-C-G.
Other names: c.109C>G, p.Leu37Val (NM_001110798.2, NM_018527.4); short protein forms L37V.
Identifiers: ClinVar variation 2309762 (VCV002309762.3), dbSNP rs374362056, ClinGen allele CA6961968.
Genomic context (GRCh38, chr13:41,316,900, plus strand): 5'-TTACAGAAATGTTATGAACAGAAGCAGTACAAAAATGGCCTCAAGTTTTGCAAGATGATT[C>G]TGTCGAACCCAAAATTTGCTGAACATGGAGGTATTGTCTCATGTGAGAGATTGCTTTAGG-3'
Protein context (NP_078837.3, residues 27-47): KNGLKFCKMI[Leu37Val]SNPKFAEHGE